The following is an entry in ClinVar:

ClinVar aggregate classification (germline): Uncertain significance (0 of 4 stars; one submission).

Conditions:
FOXF1-related disorder. Also called: FOXF1-related condition.

Allele frequency attached by ClinVar (database versions not stated): gnomAD 0.00002; TOPMed 0.00002.
gnomAD v4.1: 5 of 1,594,866 alleles (0.00031%); highest among the groups gnomAD compares: African/African-American, 0.0053%; no homozygotes.

Submission:

PreventionGenetics, part of Exact Sciences
Classification: Uncertain significance for FOXF1-related condition. Last evaluated: 2023-10-25. Review status: no assertion criteria provided. Collection method: clinical testing. Allele origin: germline.
Comment: The FOXF1 c.866C>G variant is predicted to result in the amino acid substitution p.Pro289Arg. To our knowledge, this variant has not been reported in the literature or in a large population database, indicating this variant is rare. At this time, the clinical significance of this variant is uncertain due to the absence of conclusive functional and genetic evidence.

NM_001451.3(FOXF1):c.866C>G (p.Pro289Arg)

Gene: FOXF1 (forkhead box F1; plus strand). Cytogenetic location: 16q24.1.
Variant type: single nucleotide variant.
Coding change: c.866C>G on transcript NM_001451.3 (MANE Select); coding-DNA position 866, C replaced by G.
Protein change: p.Pro289Arg; replaces proline 289 with arginine.
Molecular consequence: missense variant.
Genome position (GRCh38, 1-based): chr16:86,511,435, C>G. VCF-style: chr16-86511435-C-G. GRCh37 (hg19) VCF-style: chr16-86545041-C-G.
Other names: short protein forms P289R.
Identifiers: ClinVar variation 3048289 (VCV003048289.2), dbSNP rs1229042995, ClinGen allele CA397008693.